The following is an entry in ClinVar:

NM_017433.5(MYO3A):c.1053+12A>G

Gene: MYO3A (myosin IIIA; plus strand). Cytogenetic location: 10p12.1.
Variant type: single nucleotide variant.
Coding change: c.1053+12A>G on transcript NM_017433.5 (MANE Select); 12 bases into the intron after coding-DNA position 1053, A replaced by G.
Molecular consequence: intron variant.
Genome position (GRCh38, 1-based): chr10:26,067,086, A>G. VCF-style: chr10-26067086-A-G. GRCh37 (hg19) VCF-style: chr10-26356015-A-G.
Identifiers: ClinVar variation 45794 (VCV000045794.29), dbSNP rs3824697, ClinGen allele CA137053.

ClinVar aggregate classification (germline): Benign. Review status: criteria provided, multiple submitters, no conflicts (2 of 4 stars). 9 submissions from 9 submitters: Benign (7). 2 of the submissions do not count toward it. Last evaluated 2025-10-14.

Conditions:
Autosomal recessive nonsyndromic hearing loss 30. Identifiers: Orphanet 90636, MedGen C1846784, MONDO:0011774, OMIM 607101.

Allele frequency attached by ClinVar (database versions not stated): 1000 Genomes Project 30x 0.39600; 1000 Genomes Project 0.39657; TOPMed 0.45132; ESP Exome Variant Server 0.46994; gnomAD 0.47434 and 0.47492; gnomAD exomes 0.47744 and 0.52616; ExAC 0.48188.
gnomAD v4.1: 804,929 of 1,546,196 alleles (52%); highest among the groups gnomAD compares: Middle Eastern, 56%; 214,688 homozygotes.

Submissions (9):

Labcorp Genetics (formerly Invitae), Labcorp
Classification: Benign. Last evaluated: 2025-10-14. Review status: criteria provided, single submitter. Criteria: Invitae Variant Classification Sherloc (09022015). Collection method: clinical testing. Allele origin: germline.

Blueprint Genetics
Classification: Benign. Last evaluated: 2024-11-27. Review status: criteria provided, single submitter. Criteria: ACMG Guidelines, 2015. Collection method: clinical testing. Allele origin: germline.

Genome-Nilou Lab
Classification: Benign for Autosomal recessive nonsyndromic hearing loss 30. Last evaluated: 2021-09-05. Review status: criteria provided, single submitter. Criteria: ACMG Guidelines, 2015. Collection method: clinical testing. Allele origin: germline. Affected: no.

GeneDx
Classification: Benign. Last evaluated: 2018-06-22. Review status: criteria provided, single submitter. Criteria: GeneDx Variant Classification Process June 2021. Collection method: clinical testing. Allele origin: germline. Affected: yes.

Illumina Laboratory Services, Illumina
Classification: Benign for Autosomal recessive nonsyndromic hearing loss 30. Last evaluated: 2018-01-12. Review status: criteria provided, single submitter. Criteria: ICSL Variant Classification Criteria 13 December 2019. Collection method: clinical testing. Allele origin: germline.
Comment: This variant was observed in the ICSL laboratory as part of a predisposition screen in an ostensibly healthy population. It had not been previously curated by ICSL or reported in the Human Gene Mutation Database (HGMD: prior to June 1st, 2018), and was therefore a candidate for classification through an automated scoring system. Utilizing variant allele frequency, disease prevalence and penetrance estimates, and inheritance mode, an automated score was calculated to assess if this variant is too frequent to cause the disease. Based on the score and internal cut-off values, a variant classified as benign is not then subjected to further curation. The score for this variant resulted in a classification of benign for this disease.

Laboratory for Molecular Medicine, Mass General Brigham Personalized Medicine
Classification: Benign. Last evaluated: 2012-11-20. Review status: criteria provided, single submitter. Criteria: LMM Criteria. Collection method: clinical testing. Allele origin: germline. Observed: 981 variant alleles.
Comment: 1053+12A>G in Intron 11 of MYO3A: This variant is not expected to have clinical significance because it is not located within the conserved splice consensus seq uence and has been identified in 46.6% (3270/7020) of European American chromoso mes from a broad population by the NHLBI Exome Sequencing Project (.; dbSNP rs3824697).

Breakthrough Genomics
Classification: Benign. Review status: criteria provided, single submitter. Criteria: ACMG Guidelines, 2015. Collection method: not provided. Allele origin: germline. Inheritance: Autosomal recessive inheritance. Affected: yes.

Diagnostic Laboratory, Department of Genetics, University Medical Center Groningen
Classification: Benign. Review status: no assertion criteria provided. Collection method: clinical testing. Allele origin: germline. Affected: yes. Study: VKGL Data-share Consensus. Not counted in ClinVar's aggregate classification.

Joint Genome Diagnostic Labs from Nijmegen and Maastricht, Radboudumc and MUMC+
Classification: Benign. Review status: no assertion criteria provided. Collection method: clinical testing. Allele origin: germline. Affected: yes. Study: VKGL Data-share Consensus. Not counted in ClinVar's aggregate classification.